The following is an entry in ClinVar:

ClinVar aggregate classification (germline): Uncertain significance. Review status: criteria provided, multiple submitters, no conflicts (2 of 4 stars). 2 submissions from 2 submitters: Uncertain significance (2). Last evaluated 2024-01-04.

Conditions:
Long QT syndrome (LQTS). Identifiers: MedGen C0023976, MeSH D008133, MONDO:0002442. Disease mechanism: loss of function. Inheritance: Various modes of inheritance.

Allele frequency attached by ClinVar (database versions not stated): gnomAD exomes below 0.00001; TOPMed 0.00001.
gnomAD v4.1: 4 of 1,613,950 alleles (0.00025%); highest among the groups gnomAD compares: Non-Finnish European, 0.00034%; no homozygotes.

Submissions (2):

Blueprint Genetics
Classification: Uncertain significance. Last evaluated: 2024-01-04. Review status: criteria provided, single submitter. Criteria: ACMG Guidelines, 2015. Collection method: clinical testing. Allele origin: germline.

Labcorp Genetics (formerly Invitae), Labcorp
Classification: Uncertain significance for Long QT syndrome. Last evaluated: 2023-08-14. Review status: criteria provided, single submitter. Criteria: Invitae Variant Classification Sherloc (09022015). Collection method: clinical testing. Allele origin: germline.
Comment: In summary, the available evidence is currently insufficient to determine the role of this variant in disease. Therefore, it has been classified as a Variant of Uncertain Significance. An algorithm developed to predict the effect of missense changes on protein structure and function (PolyPhen-2) suggests that this variant is likely to be disruptive. This missense change has been observed in individual(s) with Brugada syndrome (PMID: 30847666). This variant is not present in population databases (gnomAD no frequency). This sequence change replaces lysine, which is basic and polar, with glutamine, which is neutral and polar, at codon 2169 of the AKAP9 protein (p.Lys2169Gln).

Literature cited by the submitters: PubMed 30847666 (cited by Labcorp Genetics (formerly Invitae), Labcorp).

NM_005751.5(AKAP9):c.6505A>C (p.Lys2169Gln)

Gene: AKAP9 (A-kinase anchoring protein 9; plus strand). Cytogenetic location: 7q21.2.
Variant type: single nucleotide variant.
Coding change: c.6505A>C on transcript NM_005751.5 (MANE Select); coding-DNA position 6505, A replaced by C.
Protein change: p.Lys2169Gln; replaces lysine 2169 with glutamine.
Molecular consequence: missense variant. On other transcripts: intron variant (1).
Genome position (GRCh38, 1-based): chr7:92,070,204, A>C. VCF-style: chr7-92070204-A-C. GRCh37 (hg19) VCF-style: chr7-91699518-A-C.
Other names: c.1150A>C, p.Lys384Gln (NM_001379277.1); c.6483+22A>C (NM_147185.3); short protein forms K2169Q, K384Q.
Identifiers: ClinVar variation 2726503 (VCV002726503.4), dbSNP rs1037879433, ClinGen allele CA161917844.